The following is an entry in ClinVar:

NM_000043.6(FAS):c.333T>C (p.His111=)

Gene: FAS (Fas cell surface death receptor; plus strand). Cytogenetic location: 10q23.31.
Variant type: single nucleotide variant.
Coding change: c.333T>C on transcript NM_000043.6 (MANE Select); coding-DNA position 333, T replaced by C.
Protein change: p.His111=; no amino-acid change (histidine 111 retained).
Molecular consequence: synonymous variant. On other transcripts: non-coding transcript variant (4).
Genome position (GRCh38, 1-based): chr10:89,007,836, T>C. VCF-style: chr10-89007836-T-C. GRCh37 (hg19) VCF-style: chr10-90767593-T-C.
Other names: c.333T>C, p.His111= (NM_001320619.2, NM_152871.4, NM_152872.4); c.378T>C, p.His126= (NM_001410956.1).
Identifiers: ClinVar variation 2040054 (VCV002040054.4), dbSNP rs2495102123, ClinGen allele CA470729786.

ClinVar aggregate classification (germline): Uncertain significance (1 of 4 stars; one submission).

Conditions:
Autoimmune lymphoproliferative syndrome type 1. Also called: AUTOIMMUNE LYMPHOPROLIFERATIVE SYNDROME, TYPE I, AUTOSOMAL DOMINANT. Identifiers: Orphanet 3261, MedGen C2717884, MONDO:0011158, OMIM 601859.

Submission:

Labcorp Genetics (formerly Invitae), Labcorp
Classification: Uncertain significance for Autoimmune lymphoproliferative syndrome. Last evaluated: 2021-12-11. Review status: criteria provided, single submitter. Criteria: Invitae Variant Classification Sherloc (09022015). Collection method: clinical testing. Allele origin: germline.
Comment: This sequence change affects codon 111 of the FAS mRNA. It is a 'silent' change, meaning that it does not change the encoded amino acid sequence of the FAS protein. It affects a nucleotide within the consensus splice site. In summary, the available evidence is currently insufficient to determine the role of this variant in disease. Therefore, it has been classified as a Variant of Uncertain Significance. Algorithms developed to predict the effect of sequence changes on RNA splicing suggest that this variant is not likely to affect RNA splicing. This variant has not been reported in the literature in individuals affected with FAS-related conditions. This variant is not present in population databases (gnomAD no frequency).